The following is an entry in ClinVar:

ClinVar aggregate classification (germline): Likely benign. Review status: criteria provided, multiple submitters, no conflicts (2 of 4 stars). 2 submissions from 2 submitters: Likely benign (2). Last evaluated 2018-06-18.

Allele frequency attached by ClinVar (database versions not stated): 1000 Genomes Project 0.00459; 1000 Genomes Project 30x 0.00468; gnomAD 0.00926 and 0.00950; TOPMed 0.00940; gnomAD exomes 0.01275.
gnomAD v4.1: 15,364 of 1,246,856 alleles (1.2%); highest among the groups gnomAD compares: Non-Finnish European, 1.5%; 138 homozygotes.

Submissions (2):

GeneDx
Classification: Likely benign. Last evaluated: 2018-06-18. Review status: criteria provided, single submitter. Criteria: GeneDx Variant Classification (06012015). Collection method: clinical testing. Allele origin: germline. Affected: yes.
Comment: This variant is considered likely benign or benign based on one or more of the following criteria: it is a conservative change, it occurs at a poorly conserved position in the protein, it is predicted to be benign by multiple in silico algorithms, and/or has population frequency not consistent with disease.

Breakthrough Genomics
Classification: Likely benign. Review status: criteria provided, single submitter. Criteria: ACMG Guidelines, 2015. Collection method: not provided. Allele origin: germline. Inheritance: Autosomal recessive inheritance. Affected: yes.

NM_000245.4(MET):c.2731-111T>C

Gene: MET (MET proto-oncogene, receptor tyrosine kinase; plus strand). Cytogenetic location: 7q31.2.
Variant type: single nucleotide variant.
Coding change: c.2731-111T>C on transcript NM_000245.4 (MANE Select); 111 bases into the intron before coding-DNA position 2731, T replaced by C.
Molecular consequence: intron variant.
Genome position (GRCh38, 1-based): chr7:116,771,387, T>C. VCF-style: chr7-116771387-T-C. GRCh37 (hg19) VCF-style: chr7-116411441-T-C.
Other names: c.2785-111T>C (NM_001127500.3); c.1441-111T>C (NM_001324402.2).
Identifiers: ClinVar variation 676951 (VCV000676951.2), dbSNP rs77398083, ClinGen allele CA164904686.
Genomic context (GRCh38, chr7:116,771,387, plus strand): 5'-TATTTGAACACTGGAGCATAATTGAGGAATCTCTTATTATCCTGAAGGCAGTTATGCCAT[T>C]TGTAGAATGGTAATAACCAGTTGGTATTTGGGACCCAAAGTGCTACAACCTGTGTAGTAC-3'